The following is an entry in ClinVar:

NM_020877.5(DNAH2):c.9280G>A (p.Ala3094Thr)

Gene: DNAH2 (dynein axonemal heavy chain 2; plus strand). Cytogenetic location: 17p13.1.
Variant type: single nucleotide variant.
Coding change: c.9280G>A on transcript NM_020877.5 (MANE Select); coding-DNA position 9280, G replaced by A.
Protein change: p.Ala3094Thr; replaces alanine 3094 with threonine.
Molecular consequence: missense variant.
Genome position (GRCh38, 1-based): chr17:7,805,054, G>A. VCF-style: chr17-7805054-G-A. GRCh37 (hg19) VCF-style: chr17-7708372-G-A.
Other names: short protein forms A3094T.
Identifiers: ClinVar variation 5005826 (VCV005005826.2).

ClinVar aggregate classification (germline): Uncertain significance (1 of 4 stars; one submission).

Conditions:
Spermatogenic failure 45. Identifiers: MedGen C5436791, MONDO:0033671, OMIM 619094.

gnomAD v4.1: 49 of 1,613,908 alleles (0.003%); highest among the groups gnomAD compares: African/African-American, 0.019%; no homozygotes.

Submission:

Juno Genomics, Hangzhou Juno Genomics, Inc
Classification: Uncertain significance for Spermatogenic failure 45. Review status: criteria provided, single submitter. Criteria: ACMG Guidelines, 2015. Collection method: clinical testing. Allele origin: germline.
Comment: Absent from controls (or at extremely low frequency if recessive) in Genome Aggregation Database.;Missense variant in a gene that has a low rate of benign missense variation.